The following is an entry in ClinVar:

ClinVar aggregate classification (germline): Uncertain significance (1 of 4 stars; one submission).

Allele frequency attached by ClinVar (database versions not stated): ExAC 0.00001; TOPMed 0.00001.
gnomAD v4.1: 5 of 1,613,962 alleles (0.00031%); highest among the groups gnomAD compares: East Asian, 0.0022%; no homozygotes.

Submission:

Labcorp Genetics (formerly Invitae), Labcorp
Classification: Uncertain significance. Last evaluated: 2025-11-01. Review status: criteria provided, single submitter. Criteria: Invitae Variant Classification Sherloc (09022015). Collection method: clinical testing. Allele origin: germline.
Comment: This sequence change replaces glutamic acid, which is acidic and polar, with glutamine, which is neutral and polar, at codon 405 of the ALPK3 protein (p.Glu405Gln). This variant is present in population databases (rs765142581, gnomAD 0.003%). This variant has not been reported in the literature in individuals affected with ALPK3-related conditions. ClinVar contains an entry for this variant (Variation ID: 1474633). Invitae Evidence Modeling of protein sequence and biophysical properties (such as structural, functional, and spatial information, amino acid conservation, physicochemical variation, residue mobility, and thermodynamic stability) indicates that this missense variant is not expected to disrupt ALPK3 protein function with a negative predictive value of 80%. In summary, the available evidence is currently insufficient to determine the role of this variant in disease. Therefore, it has been classified as a Variant of Uncertain Significance.

NM_020778.5(ALPK3):c.607G>C (p.Glu203Gln)

Gene: ALPK3 (alpha kinase 3; plus strand). Cytogenetic location: 15q25.3.
Variant type: single nucleotide variant.
Coding change: c.607G>C on transcript NM_020778.5 (MANE Select); coding-DNA position 607, G replaced by C.
Protein change: p.Glu203Gln; replaces glutamic acid 203 with glutamine.
Molecular consequence: missense variant.
Genome position (GRCh38, 1-based): chr15:84,839,886, G>C. VCF-style: chr15-84839886-G-C. GRCh37 (hg19) VCF-style: chr15-85383117-G-C.
Other names: short protein forms E203Q.
Identifiers: ClinVar variation 1474633 (VCV001474633.8), dbSNP rs765142581, ClinGen allele CA7709012.